The following is an entry in ClinVar:

NM_014981.3(MYH15):c.5005C>T (p.Arg1669Cys)

Gene: MYH15 (myosin heavy chain 15; minus strand). Cytogenetic location: 3q13.13.
Variant type: single nucleotide variant.
Coding change: c.5005C>T on transcript NM_014981.3 (MANE Select); coding-DNA position 5005, C replaced by T.
Protein change: p.Arg1669Cys; replaces arginine 1669 with cysteine.
Molecular consequence: missense variant.
Genome position (GRCh38, 1-based): chr3:108,398,765, G>A on the plus strand (C>T on the coding strand, the complement: MYH15 is on the minus strand). VCF-style: chr3-108398765-G-A. GRCh37 (hg19) VCF-style: chr3-108117612-G-A.
Other names: c.5065C>T (NM_014981.2); short protein forms R1669C.
Identifiers: ClinVar variation 788486 (VCV000788486.18), dbSNP rs76478083, ClinGen allele CA2527590.

ClinVar aggregate classification (germline): Benign/Likely benign. Review status: criteria provided, multiple submitters, no conflicts (2 of 4 stars). 4 submissions from 4 submitters: Benign (2); Likely benign (2). Last evaluated 2025-08-18.

Allele frequency attached by ClinVar (database versions not stated): 1000 Genomes Project 0.00339; 1000 Genomes Project 30x 0.00344; gnomAD exomes 0.00624 and 0.00798; ExAC 0.00629; gnomAD 0.00630 and 0.00635; TOPMed 0.00636; ESP Exome Variant Server 0.00714.
gnomAD v4.1: 12,569 of 1,614,146 alleles (0.78%); highest among the groups gnomAD compares: Middle Eastern, 1.2%; 71 homozygotes.

Submissions (4):

Genomic Medicine Center of Excellence, King Faisal Specialist Hospital and Research Centre
Classification: Likely benign. Last evaluated: 2025-08-18. Review status: criteria provided, single submitter. Criteria: ACMG Guidelines, 2015. Collection method: clinical testing. Allele origin: germline.

CeGaT Center for Human Genetics Tuebingen
Classification: Likely benign. Last evaluated: 2025-01-01. Review status: criteria provided, single submitter. Criteria: CeGaT Center For Human Genetics Tuebingen Variant Classification Criteria Version 2. Collection method: clinical testing. Allele origin: germline. Affected: yes. Observed: 1 variant allele.
Comment: MYH15: BS2

Labcorp Genetics (formerly Invitae), Labcorp
Classification: Benign. Last evaluated: 2018-07-06. Review status: criteria provided, single submitter. Criteria: Invitae Variant Classification Sherloc (09022015). Collection method: clinical testing. Allele origin: germline.

Breakthrough Genomics
Classification: Benign. Review status: criteria provided, single submitter. Criteria: ACMG Guidelines, 2015. Collection method: not provided. Allele origin: germline. Inheritance: Unknown mechanism. Affected: yes.